The following is an entry in ClinVar:

NM_000642.3(AGL):c.2155C>T (p.Gln719Ter)

Gene: AGL (amylo-alpha-1,6-glucosidase and 4-alpha-glucanotransferase; plus strand). Cytogenetic location: 1p21.2.
Variant type: single nucleotide variant.
Coding change: c.2155C>T on transcript NM_000642.3 (MANE Select); coding-DNA position 2155, C replaced by T.
Protein change: p.Gln719Ter; replaces glutamine 719 with a stop codon.
Molecular consequence: nonsense.
Genome position (GRCh38, 1-based): chr1:99,881,445, C>T. VCF-style: chr1-99881445-C-T. GRCh37 (hg19) VCF-style: chr1-100347001-C-T.
Other names: c.2155C>T, p.Gln719Ter (NM_000028.3, NM_000643.3, NM_000644.3 and 2 more transcripts); c.2107C>T, p.Gln703Ter (NM_000646.3); c.1954C>T, p.Gln652Ter (NM_001425327.1); c.1951C>T, p.Gln651Ter (NM_001425328.1, NM_001425329.1); c.1777C>T, p.Gln593Ter (NM_001425332.1); short protein forms Q703*, Q719*, Q593*, Q651*, Q652*.
Identifiers: ClinVar variation 856946 (VCV000856946.15), dbSNP rs1652018859, ClinGen allele CA341319507.
Genomic context (GRCh38, chr1:99,881,445, plus strand): 5'-ATTGCAGCCAGGTGTGCTATCAGTAAACTTCATCAGGAGCTTGGAGCCAAGGGTTTTATT[C>T]AGGCAAGAAATAATTAAATTTGTTTCTTCAGGTTCAATTTCAGAGTAAGTCTTTCCAGTT-3'

ClinVar aggregate classification (germline): Pathogenic/Likely pathogenic. Review status: criteria provided, multiple submitters, no conflicts (2 of 4 stars). 6 submissions from 6 submitters: Pathogenic (4); Likely pathogenic (2). Last evaluated 2025-12-15.

Conditions:
Glycogen storage disease type III (GSD3). Also called: Cori disease; FORBES DISEASE. Identifiers: Orphanet 366, MedGen C0017922, MONDO:0009291, OMIM 232400.

Allele frequency attached by ClinVar (database versions not stated): gnomAD exomes below 0.00001.
gnomAD v4.1: 5 of 1,613,980 alleles (0.00031%); highest among the groups gnomAD compares: Non-Finnish European, 0.00042%; no homozygotes.

Submissions (6):

Natera, Inc.
Classification: Pathogenic for Glycogen storage disease type III. Last evaluated: 2025-12-15. Review status: criteria provided, single submitter. Criteria: Natera Variant Classification Schema (03/2026). Collection method: clinical testing. Allele origin: germline.
Comment: The c.2155C>T variant in AGL is a nonsense variant predicted to introduce a stop codon at amino acid 719. This variant is expected to result in nonsense mediated decay, truncation, or a dysfunctional protein product. This variant is rare in the general population with a frequency below the threshold expected for the associated phenotype(s). This variant has been observed in one or more individuals affected with the associated recessive disease, as either homozygous or compound heterozygous with a second variant (PMID: 34820282). Given the available evidence, this variant is classified as Pathogenic.

Victorian Clinical Genetics Services, Murdoch Childrens Research Institute
Classification: Pathogenic for Glycogen storage disease type III. Last evaluated: 2024-09-21. Review status: criteria provided, single submitter. Criteria: ACMG Guidelines, 2015. Collection method: clinical testing. Allele origin: germline. Inheritance: Autosomal recessive inheritance. Affected: no.
Comment: Based on the classification scheme VCGS_Germline_v1.3.4, this variant is classified as Pathogenic. Following criteria are met: 0102 - Loss of function is a known mechanism of disease in this gene and is associated with glycogen storage disease IIIa (MIM#232400) and glycogen storage disease IIIb (MIM#232400). (I) 0106 - This gene is associated with autosomal recessive disease. (I) 0201 - Variant is predicted to cause nonsense-mediated decay (NMD) and loss of protein (premature termination codon is located at least 54 nucleotides upstream of the final exon-exon junction). (SP) 0251 - This variant is heterozygous. (I) 0301 - Variant is absent from gnomAD (both v2 and v3). (SP) 0701 - Other NMD predicted variants comparable to the one identified in this case have very strong previous evidence for pathogenicity (DECIPHER). (SP) 0802 - This variant has moderate previous evidence of pathogenicity in unrelated individuals. This variant has been classified as pathogenic or likely pathogenic by several clinical laboratories in ClinVar, and has been observed with another NMD-predicted variant in at least one individual with glycogen storage disease in the literature (PMIDs: 34820282, 23062577). (SP) 0905 - No published segregation evidence has been identified for this variant. (I) 1007 - No published functional evidence has been identified for this variant. (I) Legend: (SP) - Supporting pathogenic, (I) - Information, (SB) - Supporting benign

Labcorp Genetics (formerly Invitae), Labcorp
Classification: Pathogenic for Glycogen storage disease type III. Last evaluated: 2024-06-23. Review status: criteria provided, single submitter. Criteria: Invitae Variant Classification Sherloc (09022015). Collection method: clinical testing. Allele origin: germline.
Comment: This sequence change creates a premature translational stop signal (p.Gln719*) in the AGL gene. It is expected to result in an absent or disrupted protein product. Loss-of-function variants in AGL are known to be pathogenic (PMID: 19299494). This variant is not present in population databases (gnomAD no frequency). This premature translational stop signal has been observed in individual(s) with glycogen storage disease (PMID: 20648714). ClinVar contains an entry for this variant (Variation ID: 856946). Algorithms developed to predict the effect of sequence changes on RNA splicing suggest that this variant may disrupt the consensus splice site. For these reasons, this variant has been classified as Pathogenic.

Baylor Genetics
Classification: Pathogenic for Glycogen storage disease type III. Last evaluated: 2023-09-25. Review status: criteria provided, single submitter. Criteria: ACMG Guidelines, 2015. Collection method: clinical testing. Allele origin: unknown.

Genome-Nilou Lab
Classification: Likely pathogenic for Glycogen storage disease type III. Last evaluated: 2023-04-11. Review status: criteria provided, single submitter. Criteria: ACMG Guidelines, 2015. Collection method: clinical testing. Allele origin: germline. Affected: no.

Women's Health and Genetics/Laboratory Corporation of America, LabCorp
Classification: Likely pathogenic for Glycogen storage disease type III. Last evaluated: 2022-11-18. Review status: criteria provided, single submitter. Criteria: LabCorp Variant Classification Summary - May 2015. Collection method: clinical testing. Allele origin: germline.
Comment: Variant summary: AGL c.2155C>T (p.Gln719X) results in a premature termination codon, predicted to cause a truncation of the encoded protein or absence of the protein due to nonsense mediated decay, which are commonly known mechanisms for disease. Truncations downstream of this position have been classified as pathogenic by our laboratory. The variant was absent in 250058 control chromosomes (gnomAD). c.2155C>T has been reported in the literature in individuals affected with Glycogen Storage Disease (example: Hijazi_2021 and Sadeh_2021). These data indicate that the variant may be associated with disease. One clinical diagnostic laboratory has submitted clinical-significance assessments for this variant to ClinVar after 2014 and classified the variant as pathogenic. Based on the evidence outlined above, the variant was classified as likely pathogenic.

Literature cited by the submitters: PubMed 34820282 (cited by 3 submitters); PubMed 23062577 (cited by Victorian Clinical Genetics Services, Murdoch Childrens Research Institute and Women's Health and Genetics/Laboratory Corporation of America, LabCorp); PubMed 19299494 (cited by Labcorp Genetics (formerly Invitae), Labcorp); PubMed 20648714 (cited by Labcorp Genetics (formerly Invitae), Labcorp); PubMed 32528171 (cited by Women's Health and Genetics/Laboratory Corporation of America, LabCorp); PubMed 27106217 (cited by Women's Health and Genetics/Laboratory Corporation of America, LabCorp); PubMed 20071996 (cited by Women's Health and Genetics/Laboratory Corporation of America, LabCorp); PubMed 34019008 (cited by Women's Health and Genetics/Laboratory Corporation of America, LabCorp).